The following is an entry in ClinVar:

NM_001082971.2(DDC):c.1377T>G (p.His459Gln)

Gene: DDC (dopa decarboxylase; minus strand). Cytogenetic location: 7p12.2.
Variant type: single nucleotide variant.
Coding change: c.1377T>G on transcript NM_001082971.2 (MANE Select); coding-DNA position 1377, T replaced by G.
Protein change: p.His459Gln; replaces histidine 459 with glutamine.
Molecular consequence: missense variant.
Genome position (GRCh38, 1-based): chr7:50,463,297, A>C on the plus strand (T>G on the coding strand, the complement: DDC is on the minus strand). VCF-style: chr7-50463297-A-C. GRCh37 (hg19) VCF-style: chr7-50530995-A-C.
Other names: c.1377T>G, p.His459Gln (NM_000790.4); c.1263T>G, p.His421Gln (NM_001242886.2); c.1233T>G, p.His411Gln (NM_001242887.2); c.1143T>G, p.His381Gln (NM_001242888.2); c.1098T>G, p.His366Gln (NM_001242889.2); short protein forms H459Q, H411Q, H421Q, H366Q, H381Q.
Identifiers: ClinVar variation 2042711 (VCV002042711.4), dbSNP rs190468400, ClinGen allele CA367527534.

ClinVar aggregate classification (germline): Uncertain significance (1 of 4 stars; one submission).

Conditions:
Deficiency of aromatic-L-amino-acid decarboxylase. Also called: AADC DEFICIENCY; DDC DEFICIENCY; DOPA DECARBOXYLASE DEFICIENCY; Aromatic L-Amino Acid Decarboxylase Deficiency; Aromatic amino acid decarboxylase deficiency. Identifiers: Orphanet 35708, MedGen C1291564, MONDO:0012084, OMIM 608643.

gnomAD v4.1: 1 of 1,614,226 alleles (0.000062%); highest among the groups gnomAD compares: African/African-American, 0.0013%; no homozygotes.

Submission:

Labcorp Genetics (formerly Invitae), Labcorp
Classification: Uncertain significance for Deficiency of aromatic-L-amino-acid decarboxylase. Last evaluated: 2024-11-04. Review status: criteria provided, single submitter. Criteria: Invitae Variant Classification Sherloc (09022015). Collection method: clinical testing. Allele origin: germline.
Comment: This sequence change replaces histidine, which is basic and polar, with glutamine, which is neutral and polar, at codon 459 of the DDC protein (p.His459Gln). This variant is not present in population databases (gnomAD no frequency). This variant has not been reported in the literature in individuals affected with DDC-related conditions. ClinVar contains an entry for this variant (Variation ID: 2042711). Invitae Evidence Modeling of protein sequence and biophysical properties (such as structural, functional, and spatial information, amino acid conservation, physicochemical variation, residue mobility, and thermodynamic stability) indicates that this missense variant is not expected to disrupt DDC protein function with a negative predictive value of 80%. In summary, the available evidence is currently insufficient to determine the role of this variant in disease. Therefore, it has been classified as a Variant of Uncertain Significance.